The following is an entry in ClinVar:

ClinVar aggregate classification (germline): Pathogenic (1 of 4 stars; one submission).

Conditions:
Tuberous sclerosis 2 (TSC2). Identifiers: Orphanet 805, MedGen C1860707, MONDO:0013199, OMIM 613254.

Submission:

Labcorp Genetics (formerly Invitae), Labcorp
Classification: Pathogenic for Tuberous sclerosis 2. Last evaluated: 2020-02-17. Review status: criteria provided, single submitter. Criteria: Invitae Variant Classification Sherloc (09022015). Collection method: clinical testing. Allele origin: germline.
Comment: This sequence change creates a premature translational stop signal (p.Pro1218Leufs*15) in the TSC2 gene. It is expected to result in an absent or disrupted protein product. This variant is not present in population databases (ExAC no frequency). This variant has not been reported in the literature in individuals with TSC2-related conditions. Loss-of-function variants in TSC2 are known to be pathogenic (PMID: 10205261, 17304050). For these reasons, this variant has been classified as Pathogenic.

Literature cited by the submitters: PubMed 10205261; PubMed 17304050.

NM_000548.5(TSC2):c.3653_3654del (p.Pro1218fs)

Gene: TSC2 (TSC complex subunit 2; plus strand). Cytogenetic location: 16p13.3.
Variant type: Deletion.
Coding change: c.3653_3654del on transcript NM_000548.5 (MANE Select); coding-DNA positions 3653 to 3654, 2 bases deleted (CT; older notation c.3653_3654delCT).
Protein change: p.Pro1218fs; shifts the reading frame from proline 1218.
Molecular consequence: frameshift variant.
Genome position (GRCh38, 1-based): chr16:2,081,637-2,081,638, CT deleted. VCF-style (leftmost placement, unchanged base first): chr16-2081636-CCT-C. GRCh37 (hg19) VCF-style: chr16-2131637-CCT-C.
Other names: c.3521_3522del, p.Pro1174fs (NM_001077183.3, NM_001370404.1); c.3653_3654del, p.Pro1218fs (NM_001114382.3); c.3413_3414del, p.Pro1138fs (NM_001318827.2); c.3377_3378del, p.Pro1126fs (NM_001318829.2); c.2921_2922del, p.Pro974fs (NM_001318831.2); c.3554_3555del, p.Pro1185fs (NM_001318832.2); c.3524_3525del, p.Pro1175fs (NM_001363528.2, NM_001370405.1, NM_021055.3); short protein forms P1126fs, P1138fs, P1174fs, P1175fs, P1185fs, P1218fs, P974fs.
Identifiers: ClinVar variation 1075287 (VCV001075287.7), dbSNP rs2151481415, ClinGen allele CA2499223329.